The following is an entry in ClinVar:

ClinVar aggregate classification (germline): Pathogenic (1 of 4 stars; one submission).

Conditions:
Cardiovascular phenotype. Identifiers: MedGen CN230736.

Submission:

Ambry Genetics
Classification: Pathogenic for Cardiovascular phenotype. Last evaluated: 2023-05-25. Review status: criteria provided, single submitter. Criteria: Ambry Variant Classification Scheme 2023. Collection method: clinical testing. Allele origin: germline.
Comment: The c.1409delA pathogenic mutation, located in coding exon 8 of the LMNA gene, results from a deletion of one nucleotide at nucleotide position 1409, causing a translational frameshift with a predicted alternate stop codon (p.K470Sfs*10). This variant is considered to be rare based on population cohorts in the Genome Aggregation Database (gnomAD). This alteration is expected to result in loss of function by premature protein truncation or nonsense-mediated mRNA decay. As such, this alteration is interpreted as a disease-causing mutation.

NM_170707.4(LMNA):c.1409del (p.Lys470fs)

Gene: LMNA (lamin A/C; plus strand). Cytogenetic location: 1q22.
Variant type: Deletion.
Coding change: c.1409del on transcript NM_170707.4 (MANE Select); coding-DNA position 1409, one base deleted (A; older notation c.1409delA).
Protein change: p.Lys470fs; shifts the reading frame from lysine 470.
Molecular consequence: frameshift variant.
Genome position (GRCh38, 1-based): chr1:156,136,949, A deleted; the last of 2 consecutive A bases (chr1:156,136,948-156,136,949); deleting either gives the same sequence. VCF-style (leftmost placement, unchanged base first): chr1-156136947-CA-C. GRCh37 (hg19) VCF-style: chr1-156106738-CA-C.
Other names: c.1073del, p.Lys358fs (NM_001257374.3, NM_001406989.1, NM_001406998.1); c.1166del, p.Lys389fs (NM_001282624.2, NM_001406986.1, NM_001406987.1); c.1409del, p.Lys470fs (NM_001282625.2, NM_001282626.2, NM_001406983.1 and 6 more transcripts); c.1112del, p.Lys371fs (NM_001406988.1); c.851del, p.Lys284fs (NM_001406990.1, NM_001406993.1, NM_001406995.1 and 4 more transcripts); c.785del, p.Lys262fs (NM_001406994.1, NM_001406999.1, NM_001407000.1 and 1 more transcripts); short protein forms K262fs, K284fs, K470fs, K358fs, K371fs, K389fs.
Identifiers: ClinVar variation 2567284 (VCV002567284.2), dbSNP rs2528007230, ClinGen allele CA2580611217.